The following is an entry in ClinVar:

NM_001099274.3(TINF2):c.767G>A (p.Arg256Gln)

Gene: TINF2 (TERF1 interacting nuclear factor 2; minus strand). Cytogenetic location: 14q12.
Variant type: single nucleotide variant.
Coding change: c.767G>A on transcript NM_001099274.3 (MANE Select); coding-DNA position 767, G replaced by A.
Protein change: p.Arg256Gln; replaces arginine 256 with glutamine.
Molecular consequence: missense variant.
Genome position (GRCh38, 1-based): chr14:24,240,713, C>T on the plus strand (G>A on the coding strand, the complement: TINF2 is on the minus strand). VCF-style: chr14-24240713-C-T. GRCh37 (hg19) VCF-style: chr14-24709919-C-T.
Other names: c.662G>A, p.Arg221Gln (NM_001363668.2); c.767G>A, p.Arg256Gln (NM_012461.3); short protein forms R256Q, R221Q.
Identifiers: ClinVar variation 312950 (VCV000312950.13), dbSNP rs779837822, ClinGen allele CA7130564.
Genomic context (GRCh38, chr14:24,240,713, plus strand): 5'-CTAGTGGAGGCCCATTGGGACTGAACTCTTCGTCGGCCTAGAGGGGCCAGATTGAAGTGT[C>T]GGCCAGCTAGAGGTTCTGGGTGCGTCCTTGAAGATGGTCCCTGAGGAAGATGTGTGCCAG-3'
Protein context (NP_001092744.1, residues 246-266): SRTHPEPLAG[Arg256Gln]HFNLAPLGRR

ClinVar aggregate classification (germline): Conflicting classifications of pathogenicity. Review status: criteria provided, conflicting classifications (1 of 4 stars). 4 submissions from 4 submitters: Uncertain significance (3); Likely benign (1). Last evaluated 2024-10-23.

Conditions:
Dyskeratosis congenita. Identifiers: Orphanet 1775, MedGen C0265965, MONDO:0015780.
Revesz syndrome. Also called: DYSKERATOSIS CONGENITA, AUTOSOMAL DOMINANT 5; EXUDATIVE RETINOPATHY WITH BONE MARROW FAILURE. Identifiers: Orphanet 3088, MedGen C1327916, MONDO:0009990, OMIM 268130.
Dyskeratosis congenita, autosomal dominant 3. Identifiers: MedGen C3151445, MONDO:0013522, OMIM 613990.

Allele frequency attached by ClinVar (database versions not stated): ExAC 0.00002; gnomAD 0.00003 and 0.00004; TOPMed 0.00003; gnomAD exomes 0.00004 and 0.00005.
gnomAD v4.1: 73 of 1,613,638 alleles (0.0045%); highest among the groups gnomAD compares: Non-Finnish European, 0.0055%; 1 homozygote.

Submissions (4):

Blueprint Genetics
Classification: Likely benign. Last evaluated: 2024-10-23. Review status: criteria provided, single submitter. Criteria: ACMG Guidelines, 2015. Collection method: clinical testing. Allele origin: germline.

Fulgent Genetics
Classification: Uncertain significance for Revesz syndrome; Dyskeratosis congenita, autosomal dominant 3. Last evaluated: 2024-05-31. Review status: criteria provided, single submitter. Criteria: ACMG Guidelines, 2015. Collection method: clinical testing. Allele origin: germline.

Labcorp Genetics (formerly Invitae), Labcorp
Classification: Uncertain significance for Dyskeratosis congenita. Last evaluated: 2024-04-24. Review status: criteria provided, single submitter. Criteria: Invitae Variant Classification Sherloc (09022015). Collection method: clinical testing. Allele origin: germline.
Comment: This sequence change replaces arginine, which is basic and polar, with glutamine, which is neutral and polar, at codon 256 of the TINF2 protein (p.Arg256Gln). This variant is present in population databases (rs779837822, gnomAD 0.01%), including at least one homozygous and/or hemizygous individual. This variant has not been reported in the literature in individuals affected with TINF2-related conditions. ClinVar contains an entry for this variant (Variation ID: 312950). An algorithm developed to predict the effect of missense changes on protein structure and function (PolyPhen-2) suggests that this variant is likely to be tolerated. In summary, the available evidence is currently insufficient to determine the role of this variant in disease. Therefore, it has been classified as a Variant of Uncertain Significance.

Breakthrough Genomics
Classification: Uncertain significance. Review status: criteria provided, single submitter. Criteria: ACMG Guidelines, 2015. Collection method: not provided. Allele origin: germline. Inheritance: Autosomal dominant inheritance. Affected: yes.